The following is an entry in ClinVar:

NM_000057.4(BLM):c.2020G>T (p.Glu674Ter)

Gene: BLM (BLM RecQ like helicase; plus strand). Cytogenetic location: 15q26.1.
Variant type: single nucleotide variant.
Coding change: c.2020G>T on transcript NM_000057.4 (MANE Select); coding-DNA position 2020, G replaced by T.
Protein change: p.Glu674Ter; replaces glutamic acid 674 with a stop codon.
Molecular consequence: nonsense.
Genome position (GRCh38, 1-based): chr15:90,763,103, G>T. VCF-style: chr15-90763103-G-T. GRCh37 (hg19) VCF-style: chr15-91306333-G-T.
Other names: c.2020G>T, p.Glu674Ter (NM_001287246.2, NM_001287247.2); c.895G>T, p.Glu299Ter (NM_001287248.2); short protein forms E674*, E299*.
Identifiers: ClinVar variation 2084209 (VCV002084209.4), dbSNP rs2505435127, ClinGen allele CA393844376.
Genomic context (GRCh38, chr15:90,763,103, plus strand): 5'-GAAATGATGAAGATTTTTCATAAAAAATTTGGCCTGCATAATTTTAGAACTAATCAGCTA[G>T]AGGCGATCAATGCTGCACTGCTTGGTGAAGACTGTTTTATCCTGATGCCGACTGGTATGT-3'

ClinVar aggregate classification (germline): Pathogenic (1 of 4 stars; one submission).

Conditions:
Bloom syndrome (BLM). Also called: Bloom-Torre-Machacek syndrome. Identifiers: Orphanet 125, MedGen C0005859, MONDO:0008876, OMIM 210900.

Submission:

Labcorp Genetics (formerly Invitae), Labcorp
Classification: Pathogenic for Bloom syndrome. Last evaluated: 2022-01-15. Review status: criteria provided, single submitter. Criteria: Invitae Variant Classification Sherloc (09022015). Collection method: clinical testing. Allele origin: germline.
Comment: This sequence change creates a premature translational stop signal (p.Glu674*) in the BLM gene. It is expected to result in an absent or disrupted protein product. Loss-of-function variants in BLM are known to be pathogenic (PMID: 17407155). This variant is not present in population databases (gnomAD no frequency). This variant has not been reported in the literature in individuals affected with BLM-related conditions. For these reasons, this variant has been classified as Pathogenic.

Literature cited by the submitters: PubMed 17407155.